The following is an entry in ClinVar:

NM_003400.4(XPO1):c.639+3_639+6del

Gene: XPO1 (exportin 1; minus strand). Cytogenetic location: 2p15.
Variant type: Deletion.
Coding change: c.639+3_639+6del on transcript NM_003400.4 (MANE Select); bases 3 to 6 of the intron after coding-DNA position 639, 4 bases deleted (AAGT; older notation c.639+3_639+6delAAGT).
Molecular consequence: splice donor variant.
Genome position (GRCh38, 1-based): chr2:61,498,859-61,498,862, ACTT deleted on the plus strand (AAGT on the coding strand, the reverse complement: XPO1 is on the minus strand); deleting any 4 consecutive bases within chr2:61,498,859-61,498,864 gives the same sequence; the c. name uses the placement nearest the transcript's 3' end. VCF-style (leftmost placement, unchanged base first): chr2-61498858-CACTT-C. GRCh37 (hg19) VCF-style: chr2-61725993-CACTT-C.
Other names: c.639+3_639+6del (NM_001410799.1).
Identifiers: ClinVar variation 4073408 (VCV004073408.2).

ClinVar aggregate classification (germline): Conflicting classifications of pathogenicity. Review status: criteria provided, conflicting classifications (1 of 4 stars). 2 submissions from 2 submitters: Pathogenic (1); Uncertain significance (1). Last evaluated 2025-07-21.

Conditions:
XPO1-associated Neurodevelopmental Disorder.

Submissions (2):

Genome Diagnostics Laboratory, University Medical Center Utrecht
Classification: Pathogenic for XPO1-associated Neurodevelopmental Disorder. Last evaluated: 2025-07-21. Review status: criteria provided, single submitter. Criteria: ACMG Guidelines, 2015. Collection method: research. Allele origin: germline. Affected: yes.
Comment: ACMG/AMP (Richards et al, 2015): PVS1, PS2, PM2

GeneDx
Classification: Uncertain significance. Last evaluated: 2023-06-14. Review status: criteria provided, single submitter. Criteria: GeneDx Variant Classification Process June 2021. Collection method: clinical testing. Allele origin: germline. Affected: yes.
Comment: Not observed at significant frequency in large population cohorts (gnomAD); Has not been previously published as pathogenic or benign to our knowledge; Variants in candidate genes are classified as variants of uncertain significance in accordance with ACMG guidelines (Richards et al., 2015); Non-canonical splice site variant predicted to result in loss-of-function in a gene for which loss-of-function is not an established mechanism of disease.